The following is an entry in ClinVar:

NM_015629.4(PRPF31):c.1467C>T (p.Val489=)

Gene: PRPF31 (pre-mRNA processing factor 31; plus strand). Cytogenetic location: 19q13.42.
Variant type: single nucleotide variant.
Coding change: c.1467C>T on transcript NM_015629.4 (MANE Select); coding-DNA position 1467, C replaced by T.
Protein change: p.Val489=; no amino-acid change (valine 489 retained).
Molecular consequence: synonymous variant.
Genome position (GRCh38, 1-based): chr19:54,131,399, C>T. VCF-style: chr19-54131399-C-T. GRCh37 (hg19) VCF-style: chr19-54634830-C-T.
Identifiers: ClinVar variation 330111 (VCV000330111.24), dbSNP rs62144168, ClinGen allele CA309332380.

ClinVar aggregate classification (germline): Benign. Review status: criteria provided, multiple submitters, no conflicts (2 of 4 stars). 6 submissions from 6 submitters: Benign (6). Last evaluated 2026-02-03.

Conditions:
Retinal dystrophy. Also called: Inherited retinal dystrophy. Identifiers: Orphanet 71862, MedGen C0854723, MeSH D058499, MONDO:0019118, HP:0000556.
Retinitis pigmentosa (RP). Identifiers: Orphanet 791, MedGen C0035334, MeSH D012174, MONDO:0019200, OMIM 268000. Inheritance: Autosomal dominant, autosomal recessive and X linked inheritance.
Retinitis pigmentosa 11 (RP11). Identifiers: Orphanet 791, MedGen C1838601, MONDO:0010828, OMIM 600138.

Allele frequency attached by ClinVar (database versions not stated): 1000 Genomes Project 0.06310; 1000 Genomes Project 30x 0.06355; TOPMed 0.07687; gnomAD exomes 0.07977 and 0.09120; ESP Exome Variant Server 0.08135; gnomAD 0.08162 and 0.08164; ExAC 0.08214.
gnomAD v4.1: 145,514 of 1,613,984 alleles (9%); highest among the groups gnomAD compares: South Asian, 10%; 7,137 homozygotes.

Submissions (6):

Labcorp Genetics (formerly Invitae), Labcorp
Classification: Benign. Last evaluated: 2026-02-03. Review status: criteria provided, single submitter. Criteria: Invitae Variant Classification Sherloc (09022015). Collection method: clinical testing. Allele origin: germline.

ARUP Laboratories, Molecular Genetics and Genomics, ARUP Laboratories
Classification: Benign for Retinitis pigmentosa 11. Last evaluated: 2023-11-03. Review status: criteria provided, single submitter. Criteria: ARUP Molecular Germline Variant Investigation Process 2024. Collection method: clinical testing. Allele origin: germline.

Dept Of Ophthalmology, Nagoya University
Classification: Benign for Retinal dystrophy. Last evaluated: 2023-10-01. Review status: criteria provided, single submitter. Criteria: Submitter's publication. Collection method: research. Allele origin: germline. Affected: yes.

Illumina Laboratory Services, Illumina
Classification: Benign for Retinitis pigmentosa. Last evaluated: 2018-01-13. Review status: criteria provided, single submitter. Criteria: ICSL Variant Classification Criteria 13 December 2019. Collection method: clinical testing. Allele origin: germline.
Comment: This variant was observed in the ICSL laboratory as part of a predisposition screen in an ostensibly healthy population. It had not been previously curated by ICSL or reported in the Human Gene Mutation Database (HGMD: prior to June 1st, 2018), and was therefore a candidate for classification through an automated scoring system. Utilizing variant allele frequency, disease prevalence and penetrance estimates, and inheritance mode, an automated score was calculated to assess if this variant is too frequent to cause the disease. Based on the score and internal cut-off values, a variant classified as benign is not then subjected to further curation. The score for this variant resulted in a classification of benign for this disease.

GeneDx
Classification: Benign. Last evaluated: 2015-03-03. Review status: criteria provided, single submitter. Criteria: GeneDx Variant Classification Process June 2021. Collection method: clinical testing. Allele origin: germline. Affected: yes.

Breakthrough Genomics
Classification: Benign. Review status: criteria provided, single submitter. Criteria: ACMG Guidelines, 2015. Collection method: not provided. Allele origin: germline. Inheritance: Autosomal dominant inheritance. Affected: yes.